The following is an entry in ClinVar:

NM_001363.5(DKC1):c.1058C>T (p.Ala353Val)

Gene: DKC1 (dyskerin pseudouridine synthase 1; plus strand). Cytogenetic location: Xq28.
Variant type: single nucleotide variant.
Coding change: c.1058C>T on transcript NM_001363.5 (MANE Select); coding-DNA position 1058, C replaced by T.
Protein change: p.Ala353Val; replaces alanine 353 with valine.
Molecular consequence: missense variant. On other transcripts: non-coding transcript variant (3).
Genome position (GRCh38, 1-based): chrX:154,773,152, C>T. VCF-style: chrX-154773152-C-T. GRCh37 (hg19) VCF-style: chrX-154001427-C-T.
Other names: c.1058C>T, p.Ala353Val (NM_001142463.3, NM_001288747.2); short protein forms A353V.
Identifiers: ClinVar variation 11587 (VCV000011587.20), dbSNP rs121912288, ClinGen allele CA341116.
Genomic context (GRCh38, chrX:154,773,152, plus strand): 5'-ACCCTTCAAATAATTCTTTTCTTTATTCAATGCCTGTAGCTATTGCATTAATGACCACAG[C>T]GGTCATCTCTACCTGCGACCATGGTATAGTAGCCAAGATCAAGAGAGTGATCATGGAGAG-3'
Protein context (NP_001354.1, residues 343-363): ICMAIALMTT[Ala353Val]VISTCDHGIV

ClinVar aggregate classification (germline): Pathogenic. Review status: criteria provided, multiple submitters, no conflicts (2 of 4 stars). 8 submissions from 8 submitters: Pathogenic (5). 3 of the submissions do not count toward it. Last evaluated 2025-11-21.

Conditions:
DKC1-Related Disorders. Identifiers: MedGen CN380080.
DKC1-related disorder. Also called: DKC1-related condition. Identifiers: MedGen CN294808, MONDO:0100152.
Dyskeratosis congenita. Identifiers: Orphanet 1775, MedGen C0265965, MONDO:0015780.
Dyskeratosis congenita, X-linked (DKCX). Also called: Zinsser-Cole-Engman Syndrome. Identifiers: MedGen C1148551, MONDO:0010584, OMIM 305000.

Allele frequency attached by ClinVar (database versions not stated): gnomAD exomes below 0.00001.

Submissions (8):

PreventionGenetics, part of Exact Sciences
Classification: Pathogenic for DKC1-related condition. Last evaluated: 2025-11-21. Review status: criteria provided, single submitter. Criteria: ACMG Guidelines, 2015. Collection method: clinical testing. Allele origin: germline.
Comment: The DKC1 c.1058C>T variant is predicted to result in the amino acid substitution p.Ala353Val. This variant is the most common cause of dyskeratosis congenita (DC). It has been reported in multiple affected individuals and found often to be de novo (Knight et al. 1999. PubMed ID: 10364516; Vulliamy et al. 2005. PubMed ID: 16332973). It has been reported de novo in a child with Hoyeraal-Hreidarsson syndrome (HHS) and DC (Yaghmai et al. 2000. PubMed ID: 10700698) and hemizygous in two individuals with bone marrow failure and inborn error of immunity (Table S1, Kuzmenko et al. 2024. PubMed ID: 39052144). Functional studies have shown that this variant impact protein function and suggest a dominant negative effect on telomerase maintenance (Thumati et al. 2013. PubMed ID: 24115260; Gu et al. 2015. PubMed ID: 25992652; Zeng et al. 2011. PubMed ID: 22058290). This variant is not reported in gnomAD v2 (as displayed in the table above), and in gnomAD v4 (available only on GRCh38), it is reported in 0.0002% of alleles in individuals of European (non-Finnish) descent. This variant is consistently interpreted as pathogenic in ClinVar (Variation ID: 11587). This variant is interpreted as pathogenic.

Labcorp Genetics (formerly Invitae), Labcorp
Classification: Pathogenic for Dyskeratosis congenita. Last evaluated: 2025-05-04. Review status: criteria provided, single submitter. Criteria: Invitae Variant Classification Sherloc (09022015). Collection method: clinical testing. Allele origin: germline.
Comment: This sequence change replaces alanine, which is neutral and non-polar, with valine, which is neutral and non-polar, at codon 353 of the DKC1 protein (p.Ala353Val). This variant is not present in population databases (gnomAD no frequency). This missense change has been observed in individual(s) with dyskeratosis congenita and it is known to be the most frequent cause of the disease (PMID: 10364516, 16332973, 19835419). In at least one individual the variant was observed to be de novo. ClinVar contains an entry for this variant (Variation ID: 11587). Invitae Evidence Modeling of protein sequence and biophysical properties (such as structural, functional, and spatial information, amino acid conservation, physicochemical variation, residue mobility, and thermodynamic stability) indicates that this missense variant is not expected to disrupt DKC1 protein function with a negative predictive value of 80%. Experimental studies have shown that this missense change affects DKC1 function (PMID: 19391112, 19835419, 22058290, 25992652). For these reasons, this variant has been classified as Pathogenic.

Genetic Services Laboratory, University of Chicago
Classification: Pathogenic. Last evaluated: 2023-04-28. Review status: criteria provided, single submitter. Criteria: ACMG Guidelines, 2015. Collection method: clinical testing. Allele origin: germline. Affected: yes.
Comment: DNA sequence analysis of the DKC1 gene demonstrated a sequence change, c.1058C>T, in exon 11 that results in an amino acid change, p.Ala353Val. The p.Ala353Val change affects a highly conserved amino acid residue located in a domain of the DKC1 protein that is known to be functional. In-silico pathogenicity prediction tools (SIFT, PolyPhen2, Align GVGD, REVEL) provide contradictory results for the p.Ala353Val substitution. This sequence change has previously been described in individuals with dyskeratosis congenita (DC)/ Hoyeraal-Hreidarsson syndrome and accounts for majority of cases with DC (PMID: 16332973, 10700698, 10364516, 31269755). Functional studies indicate that this sequence change has an impact on DKC1 function (PMID: 19391112, 19835419, 22058290, 25992652). These collective evidences indicate that this sequence change is pathogenic.

Blueprint Genetics
Classification: Pathogenic for DKC1-related disorders. Last evaluated: 2019-06-29. Review status: criteria provided, single submitter. Criteria: ACMG Guidelines, 2015. Collection method: clinical testing. Allele origin: germline. Affected: yes. Observed: 3 variant alleles.

Ambry Genetics
Classification: Pathogenic for Dyskeratosis congenita. Last evaluated: 2015-11-16. Review status: criteria provided, single submitter. Criteria: Ambry Variant Classification Scheme 2023. Collection method: clinical testing. Allele origin: germline.
Comment: The p.A353V pathogenic mutation (also known as c.1058C>T), located in coding exon 11 of the DKC1 gene, results from a C to T substitution at nucleotide position 1058. The alanine at codon 353 is replaced by valine, an amino acid with similar properties. This common recurring mutation has been observed in patients with dyskeratosis congenita or Hoyeraal-Hreidarsson syndrome from disparate geographical locations, and its occurrence has been reported to be de novo in multiple cases. (Knight SW et al, Am. J. Hum. Genet. 1999 Jul; 65(1):50-8; Viprakasit V et al, Haematologica 2001 Aug; 86(8):871-2; Ding YG et al, J. Invest. Dermatol. 2004 Sep; 123(3):470-3; Borggraefe I et al, J. Pediatr. Gastroenterol. Nutr. 2009 Sep; Grozdanov PN et al, Hum. Mol. Genet. 2009 Dec; 18(23):4546-51; Tamhankar PM et al, Indian J Pediatr 2010 Mar; 77(3):310-2; Lai W et al, J. Dermatol. Sci. 2011 Aug; 63(2):122-4; 49(3):359-63). Based on the available evidence, the p.A353V is classified as a pathogenic mutation.

OMIM
Classification: Pathogenic for DYSKERATOSIS CONGENITA, X-LINKED. Last evaluated: 2009-12-01. Review status: no assertion criteria provided. Collection method: literature only. Allele origin: germline. Not counted in ClinVar's aggregate classification.

GeneReviews
No classification provided. Condition: Dyskeratosis congenita, X-linked. Review status: no classification provided. Collection method: literature only. Allele origin: unknown. Not counted in ClinVar's aggregate classification.

UniProtKB/Swiss-Prot
No classification provided. Condition: Dyskeratosis congenita X-linked. Review status: no classification provided. Collection method: not provided. Allele origin: germline. Not counted in ClinVar's aggregate classification.

Literature cited by the submitters: PubMed 10364516 (cited by 3 submitters); PubMed 16332973 (cited by Labcorp Genetics (formerly Invitae), Labcorp); PubMed 19835419 (cited by Labcorp Genetics (formerly Invitae), Labcorp); PubMed 19391112 (cited by Labcorp Genetics (formerly Invitae), Labcorp); PubMed 22058290 (cited by Labcorp Genetics (formerly Invitae), Labcorp); PubMed 25992652 (cited by Labcorp Genetics (formerly Invitae), Labcorp); PubMed 11522545 (cited by Ambry Genetics); PubMed 15304085 (cited by Ambry Genetics); PubMed 19633571 (cited by Ambry Genetics); PubMed 19734544 (cited by Ambry Genetics and OMIM); PubMed 20091372 (cited by Ambry Genetics); PubMed 21601430 (cited by Ambry Genetics); PubMed 11491307 (cited by OMIM); PubMed 10700698 (cited by OMIM); PubMed 20301779 (cited by GeneReviews); NCBI Bookshelf NBK22301 (cited by GeneReviews).